The following is an entry in ClinVar:

ClinVar aggregate classification (germline): Conflicting classifications of pathogenicity. Review status: criteria provided, conflicting classifications (1 of 4 stars). 3 submissions from 3 submitters: Uncertain significance (2); Likely benign (1). Last evaluated 2025-11-26.

Conditions:
Usher syndrome type 3B. Also called: USHER SYNDROME, TYPE IIIB. Identifiers: MedGen C3281066, MONDO:0013788, OMIM 614504.

Allele frequency attached by ClinVar (database versions not stated): TOPMed below 0.00001; gnomAD 0.00001 and 0.00002; gnomAD exomes 0.00001 and 0.00003; ExAC 0.00002; 1000 Genomes Project 30x 0.00016; 1000 Genomes Project 0.00020.
gnomAD v4.1: 18 of 1,614,226 alleles (0.0011%); highest among the groups gnomAD compares: East Asian, 0.02%; no homozygotes.

Submissions (3):

Labcorp Genetics (formerly Invitae), Labcorp
Classification: Uncertain significance for Usher syndrome type 3B. Last evaluated: 2025-11-26. Review status: criteria provided, single submitter. Criteria: Invitae Variant Classification Sherloc (09022015). Collection method: clinical testing. Allele origin: germline.
Comment: This sequence change replaces valine, which is neutral and non-polar, with methionine, which is neutral and non-polar, at codon 393 of the HARS protein (p.Val393Met). This variant is present in population databases (rs192923161, gnomAD 0.05%). This missense change has been observed in individual(s) with clinical features of HARS-related conditions (internal data). ClinVar contains an entry for this variant (Variation ID: 666839). Invitae Evidence Modeling of protein sequence and biophysical properties (such as structural, functional, and spatial information, amino acid conservation, physicochemical variation, residue mobility, and thermodynamic stability) indicates that this missense variant is not expected to disrupt HARS protein function with a negative predictive value of 80%. In summary, the available evidence is currently insufficient to determine the role of this variant in disease. Therefore, it has been classified as a Variant of Uncertain Significance.

Ambry Genetics
Classification: Likely benign. Last evaluated: 2021-09-12. Review status: criteria provided, single submitter. Criteria: Ambry Variant Classification Scheme 2023. Collection method: clinical testing. Allele origin: germline.

Laboratory for Molecular Medicine, Mass General Brigham Personalized Medicine
Classification: Uncertain significance. Last evaluated: 2018-11-04. Review status: criteria provided, single submitter. Criteria: LMM Criteria. Collection method: clinical testing. Allele origin: germline. Observed: 1 variant allele.
Comment: The p.Val393Met variant in HARS has not been previously reported in individuals with hearing loss but has been identified in 9/18868 East Asian chromosomes by t he Genome Aggregation Database (gnomAD). omput ational prediction tools and conservation analysis do not provide strong support for or against an impact to the protein. However, Valine (Val) at position 393 is not conserved in evolutionarily distant species and over 10 species carry a M ethionine (Met) at this position, raising the possibility that this change may b e tolerated. In summary, the clinical significance of the p.Val393Met variant is uncertain. ACMG/AMP Criteria applied: BP4.

NM_002109.6(HARS1):c.1177G>A (p.Val393Met)

Gene: HARS1 (histidyl-tRNA synthetase 1; minus strand). Cytogenetic location: 5q31.3.
Variant type: single nucleotide variant.
Coding change: c.1177G>A on transcript NM_002109.6 (MANE Select); coding-DNA position 1177, G replaced by A.
Protein change: p.Val393Met; replaces valine 393 with methionine.
Molecular consequence: missense variant.
Genome position (GRCh38, 1-based): chr5:140,676,671, C>T on the plus strand (G>A on the coding strand, the complement: HARS1 is on the minus strand). VCF-style: chr5-140676671-C-T. GRCh37 (hg19) VCF-style: chr5-140056256-C-T.
Other names: c.1057G>A, p.Val353Met (NM_001258040.3); c.1117G>A, p.Val373Met (NM_001258041.3); c.997G>A, p.Val333Met (NM_001258042.3); c.955G>A, p.Val319Met (NM_001289092.2); c.835G>A, p.Val279Met (NM_001289093.2); c.1090G>A, p.Val364Met (NM_001289094.2); short protein forms V353M, V393M, V319M, V373M, V333M, V364M, V279M.
Identifiers: ClinVar variation 666839 (VCV000666839.13), dbSNP rs192923161, ClinGen allele CA3443906.